The following is an entry in ClinVar:

NM_000038.6(APC):c.2187C>G (p.Leu729=)

Gene: APC (APC regulator of Wnt signaling pathway; plus strand). Cytogenetic location: 5q22.2.
Variant type: single nucleotide variant.
Coding change: c.2187C>G on transcript NM_000038.6 (MANE Select); coding-DNA position 2187, C replaced by G.
Protein change: p.Leu729=; no amino-acid change (leucine 729 retained).
Molecular consequence: synonymous variant. On other transcripts: non-coding transcript variant (2).
Genome position (GRCh38, 1-based): chr5:112,837,781, C>G. VCF-style: chr5-112837781-C-G. GRCh37 (hg19) VCF-style: chr5-112173478-C-G.
Other names: c.2187C>G, p.Leu729= (NM_001127510.3, NM_001354895.2, NM_001407450.1); c.2133C>G, p.Leu711= (NM_001127511.3); c.2241C>G, p.Leu747= (NM_001354896.2, NM_001407447.1, NM_001407448.1 and 1 more transcripts); c.2217C>G, p.Leu739= (NM_001354897.2); c.2112C>G, p.Leu704= (NM_001354898.2); c.2103C>G, p.Leu701= (NM_001354899.2); c.2064C>G, p.Leu688= (NM_001354900.2); c.2010C>G, p.Leu670= (NM_001354901.2, NM_001407453.1); and 11 more.
Identifiers: ClinVar variation 4085707 (VCV004085707.8).

ClinVar aggregate classification (germline): Likely benign (1 of 4 stars; one submission).

Submission:

CeGaT Center for Human Genetics Tuebingen
Classification: Likely benign. Last evaluated: 2025-08-01. Review status: criteria provided, single submitter. Criteria: CeGaT Center For Human Genetics Tuebingen Variant Classification Criteria Version 2. Collection method: clinical testing. Allele origin: germline. Affected: yes. Observed: 1 variant allele.
Comment: APC: PM2:Supporting, BP4, BP7